The following is an entry in ClinVar:

ClinVar aggregate classification (germline): Uncertain significance (0 of 4 stars; one submission).

Conditions:
KMT2E-related disorder. Also called: KMT2E-related condition.

Submission:

PreventionGenetics, part of Exact Sciences
Classification: Uncertain significance for KMT2E-related condition. Last evaluated: 2024-09-03. Review status: no assertion criteria provided. Collection method: clinical testing. Allele origin: germline.
Comment: The KMT2E c.5366C>T variant is predicted to result in the amino acid substitution p.Pro1789Leu. To our knowledge, this variant has not been reported in the literature. This variant is present in 1 allele out of 251,370 alleles in gnomAD. At this time, the clinical significance of this variant is uncertain due to the absence of conclusive functional and genetic evidence.

NM_182931.3(KMT2E):c.5366C>T (p.Pro1789Leu)

Gene: KMT2E (lysine methyltransferase 2E (inactive); plus strand). Cytogenetic location: 7q22.3.
Variant type: single nucleotide variant.
Coding change: c.5366C>T on transcript NM_182931.3 (MANE Select); coding-DNA position 5366, C replaced by T.
Protein change: p.Pro1789Leu; replaces proline 1789 with leucine.
Molecular consequence: missense variant.
Genome position (GRCh38, 1-based): chr7:105,113,122, C>T. VCF-style: chr7-105113122-C-T. GRCh37 (hg19) VCF-style: chr7-104753569-C-T.
Other names: c.5240C>T, p.Pro1747Leu (NM_001410908.1); c.5366C>T, p.Pro1789Leu (NM_018682.4); short protein forms P1747L, P1789L.
Identifiers: ClinVar variation 3345039 (VCV003345039.1).
Genomic context (GRCh38, chr7:105,113,122, plus strand): 5'-CCACTTTGGGACCGGGACCCCAGCACCAGCCTTCTGGAACAGGGCCACATTGTCCATTAC[C>T]TGTCACAGGTCCTCATCTCCAGCCCCAAGGACCAAACAGTATTCCAACACCTACTGCTTC-3'
Protein context (NP_891847.1, residues 1779-1799): PSGTGPHCPL[Pro1789Leu]VTGPHLQPQG